The following is an entry in ClinVar:

NM_198253.3(TERT):c.2899G>A (p.Gly967Arg)

Gene: TERT (telomerase reverse transcriptase; minus strand). Cytogenetic location: 5p15.33.
Variant type: single nucleotide variant.
Coding change: c.2899G>A on transcript NM_198253.3 (MANE Select); coding-DNA position 2899, G replaced by A.
Protein change: p.Gly967Arg; replaces glycine 967 with arginine.
Molecular consequence: missense variant. On other transcripts: non-coding transcript variant (2).
Genome position (GRCh38, 1-based): chr5:1,260,545, C>T on the plus strand (G>A on the coding strand, the complement: TERT is on the minus strand). VCF-style: chr5-1260545-C-T. GRCh37 (hg19) VCF-style: chr5-1260660-C-T.
Other names: c.2710G>A, p.Gly904Arg (NM_001193376.3); c.2899G>A, p.Gly967Arg (NM_003219.1); short protein forms G967R, G904R.
Identifiers: ClinVar variation 2953173 (VCV002953173.3), dbSNP rs2478130064, ClinGen allele CA359070111.
Genomic context (GRCh38, chr5:1,260,545, plus strand): 5'-GAAACAGGCTGTGACACTTCAGCCGCAAGACCCCAAAGAGTTTGCGACGCATGTTCCTCC[C>T]AGCCTTGAAGCCGCGGTTGAAGGTGAGACTGGCTCTGATGGAGGTCCGGGCATAGCTGAG-3'
Protein context (NP_937983.2, residues 957-977): SLTFNRGFKA[Gly967Arg]RNMRRKLFGV

ClinVar aggregate classification (germline): Uncertain significance (1 of 4 stars; one submission).

Conditions:
Dyskeratosis congenita, autosomal dominant 2. Identifiers: MedGen C3151443, MONDO:0013521, OMIM 613989.
Idiopathic Pulmonary Fibrosis. Also called: Idiopathic fibrosing alveolitis, chronic form; idiopathic fibrosing alveolitis. Identifiers: Orphanet 2032, MedGen C1800706, MeSH D054990, MONDO:0800504.

Allele frequency attached by ClinVar (database versions not stated): gnomAD exomes below 0.00001.
gnomAD v4.1: 1 of 1,614,194 alleles (0.000062%); highest among the groups gnomAD compares: Non-Finnish European, 0.000085%; no homozygotes.

Submission:

Labcorp Genetics (formerly Invitae), Labcorp
Classification: Uncertain significance for Dyskeratosis congenita, autosomal dominant 2; Idiopathic Pulmonary Fibrosis. Last evaluated: 2023-10-22. Review status: criteria provided, single submitter. Criteria: Invitae Variant Classification Sherloc (09022015). Collection method: clinical testing. Allele origin: germline.
Comment: This sequence change replaces glycine, which is neutral and non-polar, with arginine, which is basic and polar, at codon 967 of the TERT protein (p.Gly967Arg). This variant is not present in population databases (gnomAD no frequency). This variant has not been reported in the literature in individuals affected with TERT-related conditions. Advanced modeling of protein sequence and biophysical properties (such as structural, functional, and spatial information, amino acid conservation, physicochemical variation, residue mobility, and thermodynamic stability) performed at Invitae indicates that this missense variant is expected to disrupt TERT protein function. In summary, the available evidence is currently insufficient to determine the role of this variant in disease. Therefore, it has been classified as a Variant of Uncertain Significance.